The following is an entry in ClinVar:

NM_032776.3(JMJD1C):c.4209C>T (p.Ala1403=)

Gene: JMJD1C (jumonji domain containing 1C; minus strand). Cytogenetic location: 10q21.3.
Variant type: single nucleotide variant.
Coding change: c.4209C>T on transcript NM_032776.3 (MANE Select); coding-DNA position 4209, C replaced by T.
Protein change: p.Ala1403=; no amino-acid change (alanine 1403 retained).
Molecular consequence: synonymous variant. On other transcripts: non-coding transcript variant (1).
Genome position (GRCh38, 1-based): chr10:63,207,460, G>A on the plus strand (C>T on the coding strand, the complement: JMJD1C is on the minus strand). VCF-style: chr10-63207460-G-A. GRCh37 (hg19) VCF-style: chr10-64967220-G-A.
Other names: c.3663C>T, p.Ala1221= (NM_001282948.2, NM_001318154.2); c.3345C>T, p.Ala1115= (NM_001318153.2); c.4095C>T, p.Ala1365= (NM_001322252.2); c.3552C>T, p.Ala1184= (NM_001322254.2, NM_001322258.2).
Identifiers: ClinVar variation 774013 (VCV000774013.35), dbSNP rs193233064, ClinGen allele CA5518306.

ClinVar aggregate classification (germline): Likely benign. Review status: criteria provided, multiple submitters, no conflicts (2 of 4 stars). 3 submissions from 3 submitters: Likely benign (2). 1 of the submissions does not count toward it. Last evaluated 2025-11-01.

Conditions:
JMJD1C-related disorder. Also called: JMJD1C-related condition.
Early Myoclonic Encephalopathy. Identifiers: MedGen C0270855.

Allele frequency attached by ClinVar (database versions not stated): 1000 Genomes Project 30x 0.00016; 1000 Genomes Project 0.00020; ExAC 0.00027; gnomAD exomes 0.00032 and 0.00054; ESP Exome Variant Server 0.00033; TOPMed 0.00034; gnomAD 0.00040 and 0.00041.
gnomAD v4.1: 838 of 1,614,172 alleles (0.052%); highest among the groups gnomAD compares: Non-Finnish European, 0.065%; no homozygotes.

Submissions (3):

CeGaT Center for Human Genetics Tuebingen
Classification: Likely benign. Last evaluated: 2025-11-01. Review status: criteria provided, single submitter. Criteria: CeGaT Center For Human Genetics Tuebingen Variant Classification Criteria Version 2. Collection method: clinical testing. Allele origin: germline. Affected: yes. Observed: 2 variant alleles.
Comment: JMJD1C: BP4, BP7

Labcorp Genetics (formerly Invitae), Labcorp
Classification: Likely benign for Early Myoclonic Encephalopathy. Last evaluated: 2025-09-08. Review status: criteria provided, single submitter. Criteria: Invitae Variant Classification Sherloc (09022015). Collection method: clinical testing. Allele origin: germline.

PreventionGenetics, part of Exact Sciences
Classification: Likely benign for JMJD1C-related condition. Last evaluated: 2019-10-28. Review status: no assertion criteria provided. Collection method: clinical testing. Allele origin: germline. Not counted in ClinVar's aggregate classification.
Comment: This variant is classified as likely benign based on ACMG/AMP sequence variant interpretation guidelines (Richards et al. 2015 PMID: 25741868, with internal and published modifications).